The following is an entry in ClinVar:

NM_000132.4(F8):c.5689_5690del (p.Leu1897fs)

Gene: F8 (coagulation factor VIII; minus strand). Cytogenetic location: Xq28.
Variant type: Microsatellite.
Coding change: c.5689_5690del on transcript NM_000132.4 (MANE Select); coding-DNA positions 5689 to 5690, 2 bases deleted (CT; older notation c.5689_5690delCT).
Protein change: p.Leu1897fs; shifts the reading frame from leucine 1897.
Molecular consequence: frameshift variant.
Genome position (GRCh38, 1-based): chrX:154,904,421-154,904,422, AG deleted on the plus strand (CT on the coding strand, the reverse complement: F8 is on the minus strand); deleting any 2 consecutive bases within chrX:154,904,421-154,904,424 gives the same sequence; the c. name uses the placement nearest the transcript's 3' end. VCF-style (leftmost placement, unchanged base first): chrX-154904420-CAG-C. GRCh37 (hg19) VCF-style: chrX-154132695-CAG-C.
Other names: short protein forms L1897fs.
Identifiers: ClinVar variation 2428743 (VCV002428743.3), dbSNP rs1262848736, ClinGen allele CA873341102.

ClinVar aggregate classification (germline): Pathogenic (1 of 4 stars; one submission).

Submission:

ARUP Laboratories, Molecular Genetics and Genomics, ARUP Laboratories
Classification: Pathogenic. Last evaluated: 2022-11-10. Review status: criteria provided, single submitter. Criteria: ARUP Molecular Germline Variant Investigation Process 2021. Collection method: clinical testing. Allele origin: germline.
Comment: The F8 c.5689_5690delCT; p.Leu1897ValfsTer6 variant (rs1262848736), is reported in the literature in multiple individuals affected with severe hemophilia A (see F8 database, Azadmehr 2021, Rossetti 2007, Wang 2010). This variant is absent from the Genome Aggregation Database, indicating it is not a common polymorphism. This variant causes a frameshift by deleting 2 nucleotides, so it is predicted to result in a truncated protein or mRNA subject to nonsense-mediated decay. Based on available information, this variant is considered to be pathogenic. References: Link to F8 database: Azadmehr S et al. The Spectrum of Pathogenic Variants in Iranian Families with Hemophilia A. Arch Iran Med. 2021 Dec 1;24(12):887-896. PMID: 35014236. Rossetti LC et al. Sixteen novel hemophilia A causative mutations in the first Argentinian series of severe molecular defects. Haematologica. 2007 Jun;92(6):842-5. PMID: 17550859. Wang XF et al. The prevalence of factor VIII inhibitors and genetic aspects of inhibitor development in Chinese patients with haemophilia A. Haemophilia. 2010 Jul 1;16(4):632-9. PMID: 20331753.